The following is an entry in ClinVar:

ClinVar aggregate classification (germline): Uncertain significance (1 of 4 stars; one submission).

Conditions:
Inborn genetic diseases. Identifiers: MedGen C0950123, MeSH D030342.

Submission:

Ambry Genetics
Classification: Uncertain significance for Inborn genetic diseases. Last evaluated: 2018-11-21. Review status: criteria provided, single submitter. Criteria: Ambry Variant Classification Scheme 2023. Collection method: clinical testing. Allele origin: germline.
Comment: The p.W1676* variant (also known as c.5028G>A), located in coding exon 22 of the SHANK3 gene, results from a G to A substitution at nucleotide position 5028. This changes the amino acid from a tryptophan to a stop codon within coding exon 22. Premature stop codons are typically deleterious in nature, however, this stop codon occurs at the 3' terminus of SHANK3 , is not expected to trigger nonsense-mediated mRNA decay, and impacts only the last 56 amino acids of the protein. The exact functional impact of these removed amino acids is unknown at this time. Since supporting evidence is limited at this time, the clinical significance of this alteration remains unclear.

Literature cited by the submitters: PubMed 26045941; PubMed 29719671.

NM_001372044.2(SHANK3):c.5253G>A (p.Trp1751Ter)

Gene: SHANK3 (SH3 and multiple ankyrin repeat domains 3; plus strand). Cytogenetic location: 22q13.33.
Variant type: single nucleotide variant.
Coding change: c.5253G>A on transcript NM_001372044.2 (MANE Select); coding-DNA position 5253, G replaced by A.
Protein change: p.Trp1751Ter; replaces tryptophan 1751 with a stop codon.
Molecular consequence: nonsense.
Genome position (GRCh38, 1-based): chr22:50,731,144, G>A. VCF-style: chr22-50731144-G-A. GRCh37 (hg19) VCF-style: chr22-51169572-G-A.
Other names: c.5028G>A, p.Trp1676Ter (NM_033517.1); short protein forms W1751*, W1676*.
Identifiers: ClinVar variation 1744872 (VCV001744872.2), dbSNP rs2518439697, ClinGen allele CA515267742.